The following is an entry in ClinVar:

ClinVar aggregate classification (germline): Likely benign (1 of 4 stars; one submission).

Conditions:
Cayman type cerebellar ataxia. Also called: Cayman ataxia. Identifiers: Orphanet 94122, MedGen C1832585, MONDO:0011025, OMIM 601238.

Allele frequency attached by ClinVar (database versions not stated): gnomAD 0.00005 and 0.00025; TOPMed 0.00005; gnomAD exomes 0.00093; 1000 Genomes Project 30x 0.00203; 1000 Genomes Project 0.00240.
gnomAD v4.1: 231 of 368,952 alleles (0.063%); highest among the groups gnomAD compares: South Asian, 0.83%; 2 homozygotes.

Submission:

Illumina Laboratory Services, Illumina
Classification: Likely benign for Cayman type cerebellar ataxia. Last evaluated: 2018-01-13. Review status: criteria provided, single submitter. Criteria: ICSL Variant Classification Criteria 13 December 2019. Collection method: clinical testing. Allele origin: germline.
Comment: This variant was observed in the ICSL laboratory as part of a predisposition screen in an ostensibly healthy population. It had not been previously curated by ICSL or reported in the Human Gene Mutation Database (HGMD: prior to June 1st, 2018), and was therefore a candidate for classification through an automated scoring system. Utilizing variant allele frequency, disease prevalence and penetrance estimates, and inheritance mode, an automated score was calculated to assess if this variant is too frequent to cause the disease. Based on the score and internal cut-off values, a variant classified as likely benign is not then subjected to further curation. The score for this variant resulted in a classification of likely benign for this disease.

NM_033064.5(ATCAY):c.*309C>T

Gene: ATCAY (ATCAY kinesin light chain interacting caytaxin; plus strand). Cytogenetic location: 19p13.3.
Variant type: single nucleotide variant.
Coding change: c.*309C>T on transcript NM_033064.5 (MANE Select); 309 bases downstream of the stop codon, C replaced by T.
Molecular consequence: 3 prime UTR variant.
Genome position (GRCh38, 1-based): chr19:3,924,901, C>T. VCF-style: chr19-3924901-C-T. GRCh37 (hg19) VCF-style: chr19-3924899-C-T.
Identifiers: ClinVar variation 893707 (VCV000893707.4), dbSNP rs541933098, ClinGen allele CA304404965.